The following is an entry in ClinVar:

ClinVar aggregate classification (germline): Pathogenic. Review status: criteria provided, multiple submitters, no conflicts (2 of 4 stars). 4 submissions from 4 submitters: Pathogenic (4). Last evaluated 2025-02-18.

Conditions:
Cardiomyopathy (CMYO). Also called: Cardiomyopathies. Identifiers: Orphanet 167848, MedGen C0878544, MONDO:0004994, HP:0001638. Inheritance: Various modes of inheritance.
Arrhythmogenic right ventricular dysplasia 9 (ARVD9). Also called: Arrhythmogenic Right Ventricular Dysplasia/Cardiomyopathy 9; ARRHYTHMOGENIC RIGHT VENTRICULAR DYSPLASIA, FAMILIAL, 9. Identifiers: MedGen C1836906, MONDO:0012180, OMIM 609040.
Arrhythmogenic right ventricular cardiomyopathy (ARVD). Also called: Cardiomyopathy, ARVC; Arrhythmogenic right ventricular dysplasia; Arrhythmogenic cardiomyopathy; Arrhythmogenic Right Ventricular Cardiomyopathy (ARVC). Identifiers: Orphanet 247, MedGen C0349788, MeSH D019571, MONDO:0016587. Disease mechanism: loss of function. Inheritance: Various modes of inheritance.

Allele frequency attached by ClinVar (database versions not stated): gnomAD exomes below 0.00001.
gnomAD v4.1: 1 of 1,614,216 alleles (0.000062%); highest among the groups gnomAD compares: Non-Finnish European, 0.000085%; no homozygotes.

Submissions (4):

Color Diagnostics, LLC DBA Color Health
Classification: Pathogenic for Cardiomyopathy. Last evaluated: 2025-02-18. Review status: criteria provided, single submitter. Criteria: ACMG Guidelines, 2015. Collection method: clinical testing. Allele origin: germline.
Comment: This variant changes 1 nucleotide in exon 3 of the PKP2 gene, creating a premature translation stop signal. This variant is expected to result in an absent or non-functional protein product. This variant has been reported in at least one individual affected with arrhythmogenic right ventricular cardiomyopathy (PMID: 20829228, 26569459, 26676851). This variant has not been identified in the general population by the Genome Aggregation Database (gnomAD). Loss of PKP2 function is a known mechanism of disease. Based on the available evidence, this variant is classified as Pathogenic.

All of Us Research Program, National Institutes of Health
Classification: Pathogenic for Arrhythmogenic right ventricular cardiomyopathy. Last evaluated: 2024-09-27. Review status: criteria provided, single submitter. Criteria: ACMG Guidelines, 2015. Collection method: clinical testing. Allele origin: germline. Inheritance: Autosomal dominant inheritance. Observed: 2 variant alleles, 2 heterozygotes.
Comment: The c.658C>T (p.Gln220*) variant in PKP2 gene, that encodes for plakophilin 2, creates a premature termination codon that is predicted to lead to absent or truncated protein product. This variant has been reported in at least five individuals affected with Arrhythmogenic Right Ventricular Cardiomyopathy/Dysplasia (PMID: 20829228, 26569459, 26676851, 35536239). Expression studies on myocardial tissue samples derived from an affected carrier showed that this variant cause decreased levels of mRNA and protein expression (PMID: 26569459). Loss of function variants are well known to be pathogenic for PKP2 gene and ClinGen score shows sufficient evidence of haploinsufficiency of this gene (PMID: 23911551, 15489853, 24704780, 29038103, 34120153). Loss of function variants downstream of this variant, those belongs to the same exon are reported to be pathogenic in individuals with arrhythmogenic right ventricular cardiomyopathy (PMID: 28588093, 24070718, 27532257, 29247119) and classified as pathogenic by several ClinVar submitters (ClinVar ID: 201976, 2840900). This variant is rare (1/1614216 chromosomes; 0.000062%) in the general population database gnomAD (v4.1.0) and classified as pathogenic by several ClinVar submitters (ClinVar ID: 280014). Therefore, the c.658C>T (p.Gln220*) variant in PKP2 gene is classified as pathogenic.

This study involves interpretation of variants in research participants for the purpose of population health screening. Participant phenotype was not available at the time of variant classification. Additional details can be found in publication PMID: 35346344, PMCID: PMC8962531

Labcorp Genetics (formerly Invitae), Labcorp
Classification: Pathogenic for Arrhythmogenic right ventricular dysplasia 9. Last evaluated: 2022-09-03. Review status: criteria provided, single submitter. Criteria: Invitae Variant Classification Sherloc (09022015). Collection method: clinical testing. Allele origin: germline.
Comment: This sequence change creates a premature translational stop signal (p.Gln220*) in the PKP2 gene. It is expected to result in an absent or disrupted protein product. Loss-of-function variants in PKP2 are known to be pathogenic (PMID: 15489853, 23911551). This variant is not present in population databases (gnomAD no frequency). This premature translational stop signal has been observed in individual(s) with arrhythmogenic right ventricular cardiomyopathy (PMID: 20829228). ClinVar contains an entry for this variant (Variation ID: 280014). For these reasons, this variant has been classified as Pathogenic.

GeneDx
Classification: Pathogenic. Last evaluated: 2017-01-30. Review status: criteria provided, single submitter. Criteria: GeneDx Variant Classification (06012015). Collection method: clinical testing. Allele origin: germline. Affected: yes.
Comment: The Q220X pathogenic variant in the PKP2 gene has previously been reported in association with ARVC (Klauke et al., 2010; Akdis et al., 2016; Kant et al., 2016). The Q220X variant is predicted to cause loss of normal protein function either by protein truncation or nonsense-mediated mRNA decay. In addition, functional studies by Akdis et al. (2016) demonstrated that this variant results in decreased levels of mRNA and protein expression. Other downstream nonsense variants in the PKP2 gene have been reported in HGMD in association with ARVC (Stenson et al., 2014). Furthermore, the Q220X pathogenic variant is not observed in large population cohorts (Lek et al., 2016; 1000 Genomes Consortium et al., 2015; Exome Variant Server).

Literature cited by the submitters: PubMed 20829228 (cited by 3 submitters); PubMed 26569459 (cited by Color Diagnostics, LLC DBA Color Health and All of Us Research Program, National Institutes of Health); PubMed 26676851 (cited by Color Diagnostics, LLC DBA Color Health and All of Us Research Program, National Institutes of Health); PubMed 15489853 (cited by All of Us Research Program, National Institutes of Health and Labcorp Genetics (formerly Invitae), Labcorp); PubMed 23911551 (cited by All of Us Research Program, National Institutes of Health and Labcorp Genetics (formerly Invitae), Labcorp); PubMed 24070718 (cited by All of Us Research Program, National Institutes of Health); PubMed 24704780 (cited by All of Us Research Program, National Institutes of Health); PubMed 27532257 (cited by All of Us Research Program, National Institutes of Health); PubMed 28588093 (cited by All of Us Research Program, National Institutes of Health); PubMed 29038103 (cited by All of Us Research Program, National Institutes of Health); PubMed 29247119 (cited by All of Us Research Program, National Institutes of Health); PubMed 34120153 (cited by All of Us Research Program, National Institutes of Health); PubMed 35536239 (cited by All of Us Research Program, National Institutes of Health).

NM_001005242.3(PKP2):c.658C>T (p.Gln220Ter)

Gene: PKP2 (plakophilin 2; minus strand). Cytogenetic location: 12p11.21.
Variant type: single nucleotide variant.
Coding change: c.658C>T on transcript NM_001005242.3 (MANE Select); coding-DNA position 658, C replaced by T.
Protein change: p.Gln220Ter; replaces glutamine 220 with a stop codon.
Molecular consequence: nonsense.
Genome position (GRCh38, 1-based): chr12:32,878,222, G>A on the plus strand (C>T on the coding strand, the complement: PKP2 is on the minus strand). VCF-style: chr12-32878222-G-A. GRCh37 (hg19) VCF-style: chr12-33031156-G-A.
Other names: c.658C>T, p.Gln220Ter (NM_004572.4); short protein forms Q220*.
Identifiers: ClinVar variation 280014 (VCV000280014.9), dbSNP rs886041322, ClinGen allele CA10603252.
Genomic context (GRCh38, chr12:32,878,222, plus strand): 5'-GGGCCGGGTTGGCAGGGATGCTGTCAAAAACGGTGTCGCTAACAGAGCCATGCTGGTACT[G>A]TCTGTGGTATGTGTCAAAGTGGCGCTGCCTGCTTGTGGTGCCAGCACGGCTGACCCCCAC-3'